The following is an entry in ClinVar:

NM_000094.4(COL7A1):c.8797dup (p.Val2933fs)

Gene: COL7A1 (collagen type VII alpha 1 chain; minus strand). Cytogenetic location: 3p21.31.
Variant type: Duplication.
Coding change: c.8797dup on transcript NM_000094.4 (MANE Select); coding-DNA position 8797, one base duplicated (G; older notation c.8797dupG).
Protein change: p.Val2933fs; shifts the reading frame from valine 2933.
Molecular consequence: frameshift variant.
Genome position (GRCh38, 1-based): chr3:48,564,804, C duplicated on the plus strand (G on the coding strand, the reverse complement: COL7A1 is on the minus strand); the first of 3 consecutive C bases (chr3:48,564,804-48,564,806); duplicating any one gives the same sequence. VCF-style (leftmost placement, unchanged base first): chr3-48564803-A-AC. GRCh37 (hg19) VCF-style: chr3-48602236-A-AC.
Other names: c.8797dupG (NM_000094.4); short protein forms V2933fs.
Identifiers: ClinVar variation 4849307 (VCV004849307.1).

ClinVar aggregate classification (germline): Likely pathogenic (1 of 4 stars; one submission).

Conditions:
Recessive dystrophic epidermolysis bullosa (RDEB). Also called: EPIDERMOLYSIS BULLOSA DYSTROPHICA, GENERALIZED SEVERE, AUTOSOMAL RECESSIVE; severe generalized recessive dystrophic epidermolysis bullosa; Epidermolysis Bullosa Distrophica Autosomal Recessive (RDEB); Recessive DEB (RDEB); epidermolysis bullosa dystrophica, autosomal recessive; DYSTROPHIC EPIDERMOLYSIS BULLOSA, AUTOSOMAL RECESSIVE. Identifiers: Orphanet 79408, Orphanet 79409, MedGen C0079474, MONDO:0009179, OMIM 226600.
Transient bullous dermolysis of the newborn (TBDN). Also called: DYSTROPHIC EPIDERMOLYSIS BULLOSA, NEONATAL; EPIDERMOLYSIS BULLOSA DYSTROPHICA, NEONATAL FORM. Identifiers: Orphanet 79411, MedGen C1851573, MONDO:0007548, OMIM 131705.
Pretibial dystrophic epidermolysis bullosa. Also called: Pretibial epidermolysis bullosa; Pretibial blistering; EPIDERMOLYSIS BULLOSA DYSTROPHICA, PRETIBIAL. Identifiers: Orphanet 79410, MedGen C0432321, MONDO:0007552, OMIM 131850, HP:0012221.
Epidermolysis bullosa pruriginosa. Also called: DEB, PRURIGINOSA; DYSTROPHIC EPIDERMOLYSIS BULLOSA PRURIGINOSA. Identifiers: Orphanet 89843, MedGen C1275114, MONDO:0011398, OMIM 604129.

Submission:

First Genomix Gene Laboratory, Genetic Diagnostics Department
Classification: Likely pathogenic for Recessive dystrophic epidermolysis bullosa; Epidermolysis bullosa pruriginosa; Pretibial dystrophic epidermolysis bullosa; Transient bullous dermolysis of the newborn. Last evaluated: 2025-07-18. Review status: criteria provided, single submitter. Criteria: ACMG Guidelines, 2015. Collection method: clinical testing. Allele origin: germline. Inheritance: Autosomal recessive inheritance. Affected: no. Observed: 1 variant allele.